The following is an entry in ClinVar:

NM_000053.4(ATP7B):c.3569G>T (p.Gly1190Val)

Gene: ATP7B (ATPase copper transporting beta; minus strand). Cytogenetic location: 13q14.3.
Variant type: single nucleotide variant.
Coding change: c.3569G>T on transcript NM_000053.4 (MANE Select); coding-DNA position 3569, G replaced by T.
Protein change: p.Gly1190Val; replaces glycine 1190 with valine.
Molecular consequence: missense variant.
Genome position (GRCh38, 1-based): chr13:51,939,181, C>A on the plus strand (G>T on the coding strand, the complement: ATP7B is on the minus strand). VCF-style: chr13-51939181-C-A. GRCh37 (hg19) VCF-style: chr13-52513317-C-A.
Other names: c.2948G>T, p.Gly983Val (NM_001005918.3); c.3236G>T, p.Gly1079Val (NM_001243182.2); c.3335G>T, p.Gly1112Val (NM_001330578.2, NM_001406527.1, NM_001406528.1); c.3317G>T, p.Gly1106Val (NM_001330579.2, NM_001406531.1, NM_001406532.1); c.3569G>T, p.Gly1190Val (NM_001406511.1, NM_001406512.1, NM_001406526.1); c.3563G>T, p.Gly1188Val (NM_001406513.1); c.3536G>T, p.Gly1179Val (NM_001406514.1); c.3515G>T, p.Gly1172Val (NM_001406515.1, NM_001406516.1); and 20 more; short protein forms G1077V, G1158V, G1179V, G963V, G1026V, G1041V, G1047V, G1110V.
Identifiers: ClinVar variation 1948557 (VCV001948557.3), dbSNP rs767681386, ClinGen allele CA6988635.
Genomic context (GRCh38, chr13:51,939,181, plus strand): 5'-TGCAGCGTGTGCACAGCCAGGGCAGCCTCCTGCTTGACAGCGTCTGCGATTGCGATCATC[C>A]CACAGAGCACACCTGGAGCGAACCAGCCAGCATCAGCAGCTACACAAGTTGGGGCACCCC-3'
Protein context (NP_000044.2, residues 1180-1200): ILVAIDGVLC[Gly1190Val]MIAIADAVKQ

ClinVar aggregate classification (germline): Uncertain significance. Review status: criteria provided, multiple submitters, no conflicts (2 of 4 stars). 2 submissions from 2 submitters: Uncertain significance (2). Last evaluated 2023-06-26.

Conditions:
Wilson disease (WND). Also called: Wilson's disease. Identifiers: Orphanet 905, MedGen C0019202, MONDO:0010200, OMIM 277900. Disease mechanism: loss of function.

Allele frequency attached by ClinVar (database versions not stated): TOPMed below 0.00001; ExAC 0.00001; gnomAD exomes 0.00003.
gnomAD v4.1: 39 of 1,613,628 alleles (0.0024%); highest among the groups gnomAD compares: Non-Finnish European, 0.0033%; no homozygotes.

Submissions (2):

All of Us Research Program, National Institutes of Health
Classification: Uncertain significance for Wilson disease. Last evaluated: 2023-06-26. Review status: criteria provided, single submitter. Criteria: ACMG Guidelines, 2015. Collection method: clinical testing. Allele origin: germline. Inheritance: Autosomal recessive inheritance. Observed: 1 variant allele, 1 heterozygote.
Comment: This missense variant replaces glycine with valine at codon 1190 of the ATP7B protein. Computational prediction suggests that this variant may have deleterious impact on protein structure and function (internally defined REVEL score threshold >= 0.7, PMID: 27666373). To our knowledge, functional studies have not been reported for this variant. This variant has not been reported in individuals affected with Wilson disease in the literature. This variant has been identified in 1/248922 chromosomes in the general population by the Genome Aggregation Database (gnomAD). The available evidence is insufficient to determine the role of this variant in disease conclusively. Therefore, this variant is classified as a Variant of Uncertain Significance.

This study involves interpretation of variants in research participants for the purpose of population health screening. Participant phenotype was not available at the time of variant classification. Additional details can be found in publication PMID: 35346344, PMCID: PMC8962531

Labcorp Genetics (formerly Invitae), Labcorp
Classification: Uncertain significance for Wilson disease. Last evaluated: 2022-08-10. Review status: criteria provided, single submitter. Criteria: Invitae Variant Classification Sherloc (09022015). Collection method: clinical testing. Allele origin: germline.
Comment: This sequence change replaces glycine, which is neutral and non-polar, with valine, which is neutral and non-polar, at codon 1190 of the ATP7B protein (p.Gly1190Val). This variant is present in population databases (rs767681386, gnomAD 0.0009%). This variant has not been reported in the literature in individuals affected with ATP7B-related conditions. Advanced modeling of protein sequence and biophysical properties (such as structural, functional, and spatial information, amino acid conservation, physicochemical variation, residue mobility, and thermodynamic stability) performed at Invitae indicates that this missense variant is expected to disrupt ATP7B protein function. In summary, the available evidence is currently insufficient to determine the role of this variant in disease. Therefore, it has been classified as a Variant of Uncertain Significance.